The following is an entry in ClinVar:

ClinVar aggregate classification (germline): Uncertain significance. Review status: criteria provided, multiple submitters, no conflicts (2 of 4 stars). 2 submissions from 2 submitters: Uncertain significance (2). Last evaluated 2023-04-20.

Conditions:
Autism, susceptibility to, X-linked 4 (AUTSX4). Identifiers: MedGen C0795888, MONDO:0010440, OMIM 300830.

Allele frequency attached by ClinVar (database versions not stated): ExAC 0.00001; gnomAD 0.00001; TOPMed 0.00001; gnomAD exomes 0.00003.
gnomAD v4.1: 37 of 1,209,782 alleles (0.0031%); highest among the groups gnomAD compares: East Asian, 0.0089%; no homozygotes.

Submissions (2):

Duke University Health System Sequencing Clinic, Duke University Health System
Classification: Uncertain significance for Autism, susceptibility to, X-linked 4. Last evaluated: 2023-04-20. Review status: criteria provided, single submitter. Criteria: ACMG Guidelines, 2015. Collection method: research. Allele origin: maternal. Affected: yes.

GeneDx
Classification: Uncertain significance. Last evaluated: 2021-11-23. Review status: criteria provided, single submitter. Criteria: GeneDx Variant Classification Process June 2021. Collection method: clinical testing. Allele origin: germline. Affected: yes.
Comment: In silico analysis supports that this missense variant has a deleterious effect on protein structure/function; Has not been previously published as pathogenic or benign to our knowledge; This variant is associated with the following publications: (PMID: 37853563)

NM_173495.3(PTCHD1):c.1786C>T (p.Arg596Trp)

Gene: PTCHD1 (patched domain containing 1; plus strand). Cytogenetic location: Xp22.11.
Variant type: single nucleotide variant.
Coding change: c.1786C>T on transcript NM_173495.3 (MANE Select); coding-DNA position 1786, C replaced by T.
Protein change: p.Arg596Trp; replaces arginine 596 with tryptophan.
Molecular consequence: missense variant.
Genome position (GRCh38, 1-based): chrX:23,393,304, C>T. VCF-style: chrX-23393304-C-T. GRCh37 (hg19) VCF-style: chrX-23411421-C-T.
Other names: short protein forms R596W.
Identifiers: ClinVar variation 2499571 (VCV002499571.3), dbSNP rs771692181, ClinGen allele CA10369190.